The following is an entry in ClinVar:

ClinVar aggregate classification (germline): Benign (1 of 4 stars; one submission).

Allele frequency attached by ClinVar (database versions not stated): gnomAD exomes 0.68951; gnomAD 0.72456 and 0.72918; 1000 Genomes Project 30x 0.74188; 1000 Genomes Project 0.73522; TOPMed 0.74765.
gnomAD v4.1: 666,970 of 958,956 alleles (70%); highest among the groups gnomAD compares: African/African-American, 82%; 232,615 homozygotes.

Submission:

GeneDx
Classification: Benign. Last evaluated: 2018-06-14. Review status: criteria provided, single submitter. Criteria: GeneDx Variant Classification (06012015). Collection method: clinical testing. Allele origin: germline. Affected: yes.
Comment: This variant is considered likely benign or benign based on one or more of the following criteria: it is a conservative change, it occurs at a poorly conserved position in the protein, it is predicted to be benign by multiple in silico algorithms, and/or has population frequency not consistent with disease.

NM_005670.3(EPM2A):c.-214A>G

Genes: EPM2A (EPM2A glucan phosphatase, laforin; minus strand), EPM2A-DT (EPM2A divergent transcript; plus strand). Cytogenetic location: 6q24.3.
Variant type: single nucleotide variant.
Coding change: c.-214A>G on transcript NM_005670.3; 214 bases upstream of the start codon, A replaced by G.
Molecular consequence: intron variant (on NM_001360064.2).
Genome position (GRCh38, 1-based): chr6:145,735,712, T>C on the plus strand (A>G on the coding strand, the complement: EPM2A is on the minus strand). VCF-style: chr6-145735712-T-C. GRCh37 (hg19) VCF-style: chr6-146056848-T-C.
Other names: c.-114+196A>G (NM_001360064.2).
Identifiers: ClinVar variation 670730 (VCV000670730.3), dbSNP rs2235481, ClinGen allele CA12211230.